The following is an entry in ClinVar:

NM_000384.3(APOB):c.4294G>C (p.Asp1432His)

Gene: APOB (apolipoprotein B; minus strand). Cytogenetic location: 2p24.1.
Variant type: single nucleotide variant.
Coding change: c.4294G>C on transcript NM_000384.3 (MANE Select); coding-DNA position 4294, G replaced by C.
Protein change: p.Asp1432His; replaces aspartic acid 1432 with histidine.
Molecular consequence: missense variant.
Genome position (GRCh38, 1-based): chr2:21,012,574, C>G on the plus strand (G>C on the coding strand, the complement: APOB is on the minus strand). VCF-style: chr2-21012574-C-G. GRCh37 (hg19) VCF-style: chr2-21235446-C-G.
Other names: short protein forms D1432H.
Identifiers: ClinVar variation 3885435 (VCV003885435.1).

ClinVar aggregate classification (germline): Uncertain significance (1 of 4 stars; one submission).

Conditions:
Cardiovascular phenotype. Identifiers: MedGen CN230736.

Submission:

Ambry Genetics
Classification: Uncertain significance for Cardiovascular phenotype. Last evaluated: 2025-03-13. Review status: criteria provided, single submitter. Criteria: Ambry Variant Classification Scheme 2023. Collection method: clinical testing. Allele origin: germline.
Comment: The p.D1432H variant (also known as c.4294G>C), located in coding exon 26 of the APOB gene, results from a G to C substitution at nucleotide position 4294. The aspartic acid at codon 1432 is replaced by histidine, an amino acid with similar properties. This amino acid position is conserved. In addition, this alteration is predicted to be tolerated by in silico analysis. Based on the available evidence, the clinical significance of this variant remains unclear.